The following is an entry in ClinVar:

ClinVar aggregate classification (germline): Likely pathogenic (1 of 4 stars; one submission).

Conditions:
Primary ciliary dyskinesia 3. Identifiers: Orphanet 244, MedGen C1837618, MONDO:0012085, OMIM 608644.

Submission:

Myriad Genetics, Inc.
Classification: Likely pathogenic for Primary ciliary dyskinesia 3. Last evaluated: 2022-03-08. Review status: criteria provided, single submitter. Criteria: Myriad Women's Health Autosomal Recessive and X-Linked Classification Criteria (2021). Collection method: clinical testing. Allele origin: unknown.
Comment: NM_001369.2(DNAH5):c.7521delG(W2507Cfs*64) is expected to be pathogenic in the context of DNAH5-related primary ciliary dyskinesia. This variant is predicted to lead to an abnormal or absent protein product due to the creation of a premature termination codon in DNAH5, a gene where loss-of-function variants are known to be pathogenic. Please note: this variant was assessed in the context of healthy population screening.

NM_001369.3(DNAH5):c.7521del (p.Trp2507fs)

Gene: DNAH5 (dynein axonemal heavy chain 5; minus strand). Cytogenetic location: 5p15.2.
Variant type: Deletion.
Coding change: c.7521del on transcript NM_001369.3 (MANE Select); coding-DNA position 7521, one base deleted (G; older notation c.7521delG).
Protein change: p.Trp2507fs; shifts the reading frame from tryptophan 2507.
Molecular consequence: frameshift variant.
Genome position (GRCh38, 1-based): chr5:13,810,147, C deleted on the plus strand (G on the coding strand, the reverse complement: DNAH5 is on the minus strand); the first of 2 consecutive C bases (chr5:13,810,147-13,810,148); deleting either gives the same sequence. VCF-style (leftmost placement, unchanged base first): chr5-13810146-GC-G. GRCh37 (hg19) VCF-style: chr5-13810255-GC-G.
Other names: short protein forms W2507fs.
Identifiers: ClinVar variation 1725118 (VCV001725118.2), dbSNP rs2546806193, ClinGen allele CA2580072024.